The following is an entry in ClinVar:

NM_002693.3(POLG):c.845A>G (p.Tyr282Cys)

Gene: POLG (DNA polymerase gamma, catalytic subunit; minus strand). Cytogenetic location: 15q26.1.
Variant type: single nucleotide variant.
Coding change: c.845A>G on transcript NM_002693.3 (MANE Select); coding-DNA position 845, A replaced by G.
Protein change: p.Tyr282Cys; replaces tyrosine 282 with cysteine.
Molecular consequence: missense variant.
Genome position (GRCh38, 1-based): chr15:89,330,091, T>C on the plus strand (A>G on the coding strand, the complement: POLG is on the minus strand). VCF-style: chr15-89330091-T-C. GRCh37 (hg19) VCF-style: chr15-89873322-T-C.
Other names: c.845A>G, p.Tyr282Cys (NM_001126131.2); short protein forms Y282C.
Identifiers: ClinVar variation 2692703 (VCV002692703.3), dbSNP rs2509265045, ClinGen allele CA393766555.
Genomic context (GRCh38, chr15:89,330,091, plus strand): 5'-CTCCTGGCCCATCCCATGCCAGAACCTGCAGTTGGCCCCAGGAACCTTACCTGGATCAGG[T>C]ACTGCTCCCTGATATGAGCTCGGTCAAAGGAAACATTGTGCCCCACCACTAACTGCTCCT-3'
Protein context (NP_002684.1, residues 272-292): SFDRAHIREQ[Tyr282Cys]LIQGSRMRFL

ClinVar aggregate classification (germline): Uncertain significance (1 of 4 stars; one submission).

Conditions:
Progressive sclerosing poliodystrophy (MTDPS4A). Also called: ALPERS PROGRESSIVE INFANTILE POLIODYSTROPHY; NEURONAL DEGENERATION OF CHILDHOOD WITH LIVER DISEASE, PROGRESSIVE; Mitochondrial DNA depletion syndrome 4A (Alpers type); Mitochondrial DNA Depletion Syndrome 4A; Alpers-Huttenlocher Syndrome (AHS); Alpers Syndrome. Identifiers: Orphanet 726, MedGen C0205710, MONDO:0008758, OMIM 203700.

Submission:

Labcorp Genetics (formerly Invitae), Labcorp
Classification: Uncertain significance for Progressive sclerosing poliodystrophy. Last evaluated: 2023-11-29. Review status: criteria provided, single submitter. Criteria: Invitae Variant Classification Sherloc (09022015). Collection method: clinical testing. Allele origin: germline.
Comment: This sequence change replaces tyrosine, which is neutral and polar, with cysteine, which is neutral and slightly polar, at codon 282 of the POLG protein (p.Tyr282Cys). This variant is not present in population databases (gnomAD no frequency). This variant has not been reported in the literature in individuals affected with POLG-related conditions. Advanced modeling of protein sequence and biophysical properties (such as structural, functional, and spatial information, amino acid conservation, physicochemical variation, residue mobility, and thermodynamic stability) performed at Invitae indicates that this missense variant is expected to disrupt POLG protein function with a positive predictive value of 95%. In summary, the available evidence is currently insufficient to determine the role of this variant in disease. Therefore, it has been classified as a Variant of Uncertain Significance.